The following is an entry in ClinVar:

NM_005732.4(RAD50):c.1737G>A (p.Trp579Ter)

Gene: RAD50 (RAD50 double strand break repair protein; plus strand). Cytogenetic location: 5q31.1.
Variant type: single nucleotide variant.
Coding change: c.1737G>A on transcript NM_005732.4 (MANE Select); coding-DNA position 1737, G replaced by A.
Protein change: p.Trp579Ter; replaces tryptophan 579 with a stop codon.
Molecular consequence: nonsense.
Genome position (GRCh38, 1-based): chr5:132,591,978, G>A. VCF-style: chr5-132591978-G-A. GRCh37 (hg19) VCF-style: chr5-131927670-G-A.
Other names: short protein forms W579*.
Identifiers: ClinVar variation 1458377 (VCV001458377.8), dbSNP rs1580994917, ClinGen allele CA360946555.

ClinVar aggregate classification (germline): Pathogenic. Review status: criteria provided, multiple submitters, no conflicts (2 of 4 stars). 2 submissions from 2 submitters: Pathogenic (2). Last evaluated 2021-09-29.

Conditions:
Hereditary cancer-predisposing syndrome. Also called: Neoplastic Syndromes, Hereditary; Hereditary Cancer Syndrome; Hereditary neoplastic syndrome; Tumor predisposition. Identifiers: Orphanet 140162, MedGen C0027672, MeSH D009386, MONDO:0015356.

Submissions (2):

Labcorp Genetics (formerly Invitae), Labcorp
Classification: Pathogenic for Hereditary cancer-predisposing syndrome. Last evaluated: 2021-09-29. Review status: criteria provided, single submitter. Criteria: Invitae Variant Classification Sherloc (09022015). Collection method: clinical testing. Allele origin: germline.
Comment: For these reasons, this variant has been classified as Pathogenic. This sequence change creates a premature translational stop signal (p.Trp579*) in the RAD50 gene. It is expected to result in an absent or disrupted protein product. Loss-of-function variants in RAD50 are known to be pathogenic (PMID: 16385572, 19409520). This variant is not present in population databases (ExAC no frequency). This variant has not been reported in the literature in individuals with RAD50-related conditions.

Ambry Genetics
Classification: Pathogenic for Hereditary cancer-predisposing syndrome. Last evaluated: 2020-08-11. Review status: criteria provided, single submitter. Criteria: Ambry Variant Classification Scheme 2023. Collection method: clinical testing. Allele origin: germline.
Comment: The p.W579* pathogenic mutation (also known as c.1737G>A), located in coding exon 11 of the RAD50 gene, results from a G to A substitution at nucleotide position 1737. This changes the amino acid from a tryptophan to a stop codon within coding exon 11. This alteration is expected to result in loss of function by premature protein truncation or nonsense-mediated mRNA decay. As such, this alteration is interpreted as a disease-causing mutation.

Literature cited by the submitters: PubMed 16385572 (cited by Labcorp Genetics (formerly Invitae), Labcorp); PubMed 19409520 (cited by Labcorp Genetics (formerly Invitae), Labcorp).